The following is an entry in ClinVar:

ClinVar aggregate classification (germline): Likely benign (1 of 4 stars; one submission).

Allele frequency attached by ClinVar (database versions not stated): gnomAD exomes 0.00005 and 0.00009; ExAC 0.00012; gnomAD 0.00031 and 0.00033; TOPMed 0.00041; ESP Exome Variant Server 0.00046; 1000 Genomes Project 0.00060; 1000 Genomes Project 30x 0.00062.
gnomAD v4.1: 123 of 1,300,442 alleles (0.0095%); highest among the groups gnomAD compares: African/African-American, 0.14%; no homozygotes.

Submission:

GeneDx
Classification: Likely benign. Last evaluated: 2021-10-19. Review status: criteria provided, single submitter. Criteria: GeneDx Variant Classification Process June 2021. Collection method: clinical testing. Allele origin: germline. Affected: yes.
Comment: See Variant Classification Assertion Criteria.

NM_001128840.3(CACNA1D):c.3870+35C>T

Gene: CACNA1D (calcium voltage-gated channel subunit alpha1 D; plus strand). Cytogenetic location: 3p21.1.
Variant type: single nucleotide variant.
Coding change: c.3870+35C>T on transcript NM_001128840.3 (MANE Select); 35 bases into the intron after coding-DNA position 3870, C replaced by T.
Molecular consequence: intron variant.
Genome position (GRCh38, 1-based): chr3:53,762,116, C>T. VCF-style: chr3-53762116-C-T. GRCh37 (hg19) VCF-style: chr3-53796143-C-T.
Other names: c.3870+35C>T (NM_001128839.3); c.3930+35C>T (NM_000720.4).
Identifiers: ClinVar variation 1678689 (VCV001678689.2), dbSNP rs77169791, ClinGen allele CA2454715.